The following is an entry in ClinVar:

ClinVar aggregate classification (germline): Uncertain significance (1 of 4 stars; one submission).

gnomAD v4.1: 1 of 1,159,862 alleles (0.000086%); highest among the groups gnomAD compares: Non-Finnish European, 0.00012%; no homozygotes.

Submission:

Dasa
Classification: Uncertain significance. Last evaluated: 2025-06-27. Review status: criteria provided, single submitter. Criteria: DASA Assertion Criteria. Collection method: clinical testing. Allele origin: germline.
Comment: NM_078629.4(MSL3):c.457A>G (p.Thr153Ala) is a missense variant that results in the substitution of threonine with alanine. This variant is rare in population databases. Computational prediction algorithms are consistent with a benign effect. The currently available literature and clinical evidence are not sufficient to establish a definitive association between this variant and the reported condition. Therefore, this variant is classified as a variant of uncertain significance.

NM_078629.4(MSL3):c.457A>G (p.Thr153Ala)

Gene: MSL3 (MSL complex subunit 3; plus strand). Cytogenetic location: Xp22.2.
Variant type: single nucleotide variant.
Coding change: c.457A>G on transcript NM_078629.4 (MANE Select); coding-DNA position 457, A replaced by G.
Protein change: p.Thr153Ala; replaces threonine 153 with alanine.
Molecular consequence: missense variant. On other transcripts: 5 prime UTR variant (1), intron variant (1).
Genome position (GRCh38, 1-based): chrX:11,761,574, A>G. VCF-style: chrX-11761574-A-G. GRCh37 (hg19) VCF-style: chrX-11779693-A-G.
Other names: c.421A>G, p.Thr141Ala (NM_001193270.2); c.-42A>G (NM_006800.4); c.457A>G, p.Thr153Ala (NM_078628.2); c.19-556A>G (NM_001282174.1); short protein forms T141A, T153A.
Identifiers: ClinVar variation 4885503 (VCV004885503.2).
Genomic context (GRCh38, chrX:11,761,574, plus strand): 5'-TCTGACTGTAGTGAAAACAAGGATGAAGAAATAAGTGAAGAAAGTGATATTGAAGAAAAG[A>G]CTGAAGTGGTATAAAGTTTTTATTGTAAAAACTTTCTCTTTGTTATATATTTTAGTGGTA-3'
Protein context (NP_523353.2, residues 143-163): ISEESDIEEK[Thr153Ala]EVKEEPELQT